The following is an entry in ClinVar:

ClinVar aggregate classification (germline): Uncertain significance (1 of 4 stars; one submission).

Conditions:
T-B+ severe combined immunodeficiency due to JAK3 deficiency. Also called: SCID, T CELL-NEGATIVE, B CELL-POSITIVE, NK CELL-NEGATIVE; SCID, autosomal recessive, T-negative/B-positive type. Identifiers: Orphanet 35078, MedGen C1833275, MONDO:0010938, OMIM 600802.

Submission:

Labcorp Genetics (formerly Invitae), Labcorp
Classification: Uncertain significance for T-B+ severe combined immunodeficiency due to JAK3 deficiency. Last evaluated: 2022-04-16. Review status: criteria provided, single submitter. Criteria: Invitae Variant Classification Sherloc (09022015). Collection method: clinical testing. Allele origin: germline.
Comment: In summary, the available evidence is currently insufficient to determine the role of this variant in disease. Therefore, it has been classified as a Variant of Uncertain Significance. This sequence change replaces serine, which is neutral and polar, with asparagine, which is neutral and polar, at codon 94 of the JAK3 protein (p.Ser94Asn). This variant is not present in population databases (gnomAD no frequency). This variant has not been reported in the literature in individuals affected with JAK3-related conditions. Advanced modeling of protein sequence and biophysical properties (such as structural, functional, and spatial information, amino acid conservation, physicochemical variation, residue mobility, and thermodynamic stability) performed at Invitae indicates that this missense variant is not expected to disrupt JAK3 protein function.

NM_000215.4(JAK3):c.281G>A (p.Ser94Asn)

Gene: JAK3 (Janus kinase 3; minus strand). Cytogenetic location: 19p13.11.
Variant type: single nucleotide variant.
Coding change: c.281G>A on transcript NM_000215.4 (MANE Select); coding-DNA position 281, G replaced by A.
Protein change: p.Ser94Asn; replaces serine 94 with asparagine.
Molecular consequence: missense variant.
Genome position (GRCh38, 1-based): chr19:17,843,804, C>T on the plus strand (G>A on the coding strand, the complement: JAK3 is on the minus strand). VCF-style: chr19-17843804-C-T. GRCh37 (hg19) VCF-style: chr19-17954613-C-T.
Other names: short protein forms S94N.
Identifiers: ClinVar variation 2126666 (VCV002126666.4), dbSNP rs2147699985, ClinGen allele CA404774451.